The following is an entry in ClinVar:

ClinVar aggregate classification (germline): Uncertain significance. Review status: criteria provided, multiple submitters, no conflicts (2 of 4 stars). 7 submissions from 7 submitters: Uncertain significance (4). 3 of the submissions do not count toward it. Last evaluated 2025-11-17.

Conditions:
Cardiovascular phenotype. Identifiers: MedGen CN230736.
Dilated cardiomyopathy 1JJ (CMD1JJ). Identifiers: Orphanet 154, MedGen C3808935, MONDO:0014095, OMIM 615235.

Allele frequency attached by ClinVar (database versions not stated): TOPMed 0.00006; ExAC 0.00005; gnomAD exomes 0.00008 and 0.00012.
gnomAD v4.1: 188 of 1,613,962 alleles (0.012%); highest among the groups gnomAD compares: Non-Finnish European, 0.016%; no homozygotes.

Submissions (7):

Labcorp Genetics (formerly Invitae), Labcorp
Classification: Uncertain significance for Dilated cardiomyopathy 1JJ. Last evaluated: 2025-11-17. Review status: criteria provided, single submitter. Criteria: Invitae Variant Classification Sherloc (09022015). Collection method: clinical testing. Allele origin: germline.
Comment: This sequence change replaces proline, which is neutral and non-polar, with threonine, which is neutral and polar, at codon 860 of the LAMA4 protein (p.Pro860Thr). This variant is present in population databases (rs782162498, gnomAD 0.02%). This missense change has been observed in individual(s) with dilated cardiomyopathy (PMID: 32880476). This variant is also known as p.Pro867Thr. ClinVar contains an entry for this variant (Variation ID: 213587). Invitae Evidence Modeling of protein sequence and biophysical properties (such as structural, functional, and spatial information, amino acid conservation, physicochemical variation, residue mobility, and thermodynamic stability) indicates that this missense variant is not expected to disrupt LAMA4 protein function with a negative predictive value of 80%. In summary, the available evidence is currently insufficient to determine the role of this variant in disease. Therefore, it has been classified as a Variant of Uncertain Significance.

GeneDx
Classification: Uncertain significance. Last evaluated: 2024-05-07. Review status: criteria provided, single submitter. Criteria: GeneDx Variant Classification Process June 2021. Collection method: clinical testing. Allele origin: germline. Affected: yes.
Comment: In silico analysis indicates that this missense variant does not alter protein structure/function; This variant is associated with the following publications: (PMID: 32880476)

Ambry Genetics
Classification: Uncertain significance for Cardiovascular phenotype. Last evaluated: 2023-12-02. Review status: criteria provided, single submitter. Criteria: Ambry Variant Classification Scheme 2023. Collection method: clinical testing. Allele origin: germline.
Comment: The p.P860T variant (also known as c.2578C>A), located in coding exon 19 of the LAMA4 gene, results from a C to A substitution at nucleotide position 2578. The proline at codon 860 is replaced by threonine, an amino acid with highly similar properties. This amino acid position is well conserved in available vertebrate species. In addition, this alteration is predicted to be tolerated by in silico analysis. The evidence for this gene-disease relationship is limited; therefore, the clinical significance of this alteration is unclear.

Fulgent Genetics
Classification: Uncertain significance for Dilated cardiomyopathy 1JJ. Last evaluated: 2021-09-08. Review status: criteria provided, single submitter. Criteria: ACMG Guidelines, 2015. Collection method: clinical testing. Allele origin: unknown.

Clinical Genetics, Academic Medical Center
Classification: Uncertain significance. Review status: no assertion criteria provided. Collection method: clinical testing. Allele origin: germline. Affected: yes. Study: VKGL Data-share Consensus. Not counted in ClinVar's aggregate classification.

Genome Diagnostics Laboratory, University Medical Center Utrecht
Classification: Uncertain significance. Review status: no assertion criteria provided. Collection method: clinical testing. Allele origin: germline. Affected: yes. Study: VKGL Data-share Consensus. Not counted in ClinVar's aggregate classification.

Joint Genome Diagnostic Labs from Nijmegen and Maastricht, Radboudumc and MUMC+
Classification: Uncertain significance. Review status: no assertion criteria provided. Collection method: clinical testing. Allele origin: germline. Affected: yes. Study: VKGL Data-share Consensus. Not counted in ClinVar's aggregate classification.

Literature cited by the submitters: PubMed 32880476 (cited by Labcorp Genetics (formerly Invitae), Labcorp).

NM_001105206.3(LAMA4):c.2599C>A (p.Pro867Thr)

Gene: LAMA4 (laminin subunit alpha 4; minus strand). Cytogenetic location: 6q21.
Variant type: single nucleotide variant.
Coding change: c.2599C>A on transcript NM_001105206.3 (MANE Select); coding-DNA position 2599, C replaced by A.
Protein change: p.Pro867Thr; replaces proline 867 with threonine.
Molecular consequence: missense variant.
Genome position (GRCh38, 1-based): chr6:112,142,187, G>T on the plus strand (C>A on the coding strand, the complement: LAMA4 is on the minus strand). VCF-style: chr6-112142187-G-T. GRCh37 (hg19) VCF-style: chr6-112463389-G-T.
Other names: p.P860T:CCC>ACC; c.2578C>A, p.Pro860Thr (NM_001105207.3, NM_002290.5); short protein forms P860T, P867T.
Identifiers: ClinVar variation 213587 (VCV000213587.21), dbSNP rs782162498, ClinGen allele CA323509.